The following is an entry in ClinVar:

NM_001845.6(COL4A1):c.995G>C (p.Gly332Ala)

Gene: COL4A1 (collagen type IV alpha 1 chain; minus strand). Cytogenetic location: 13q34.
Variant type: single nucleotide variant.
Coding change: c.995G>C on transcript NM_001845.6 (MANE Select); coding-DNA position 995, G replaced by C.
Protein change: p.Gly332Ala; replaces glycine 332 with alanine.
Molecular consequence: missense variant.
Genome position (GRCh38, 1-based): chr13:110,203,570, C>G on the plus strand (G>C on the coding strand, the complement: COL4A1 is on the minus strand). VCF-style: chr13-110203570-C-G. GRCh37 (hg19) VCF-style: chr13-110855917-C-G.
Other names: c.995G>C, p.Gly332Ala (NM_001303110.2); short protein forms G332A.
Identifiers: ClinVar variation 1315847 (VCV001315847.3), dbSNP rs1228232315, ClinGen allele CA388724511.

ClinVar aggregate classification (germline): Uncertain significance. Review status: criteria provided, multiple submitters, no conflicts (2 of 4 stars). 2 submissions from 2 submitters: Uncertain significance (2). Last evaluated 2025-07-11.

Allele frequency attached by ClinVar (database versions not stated): TOPMed below 0.00001.

Submissions (2):

Labcorp Genetics (formerly Invitae), Labcorp
Classification: Uncertain significance. Last evaluated: 2025-07-11. Review status: criteria provided, single submitter. Criteria: Invitae Variant Classification Sherloc (09022015). Collection method: clinical testing. Allele origin: germline.
Comment: This sequence change replaces glycine, which is neutral and non-polar, with alanine, which is neutral and non-polar, at codon 332 of the COL4A1 protein (p.Gly332Ala). This variant is present in population databases (no rsID available, gnomAD 0.007%). This variant has not been reported in the literature in individuals affected with COL4A1-related conditions. ClinVar contains an entry for this variant (Variation ID: 1315847). Invitae Evidence Modeling of protein sequence and biophysical properties (such as structural, functional, and spatial information, amino acid conservation, physicochemical variation, residue mobility, and thermodynamic stability) indicates that this missense variant is not expected to disrupt COL4A1 protein function with a negative predictive value of 80%. In summary, the available evidence is currently insufficient to determine the role of this variant in disease. Therefore, it has been classified as a Variant of Uncertain Significance.

GeneDx
Classification: Uncertain significance. Last evaluated: 2019-10-11. Review status: criteria provided, single submitter. Criteria: GeneDx Variant Classification Process June 2021. Collection method: clinical testing. Allele origin: germline. Affected: yes.
Comment: Not observed at a significant frequency in large population cohorts (Lek et al., 2016); In silico analysis, which includes protein predictors and evolutionary conservation, supports a deleterious effect; Has not been previously published as pathogenic or benign to our knowledge